The following is an entry in ClinVar:

NM_000548.5(TSC2):c.4682T>A (p.Ile1561Asn)

Gene: TSC2 (TSC complex subunit 2; plus strand). Cytogenetic location: 16p13.3.
Variant type: single nucleotide variant.
Coding change: c.4682T>A on transcript NM_000548.5 (MANE Select); coding-DNA position 4682, T replaced by A.
Protein change: p.Ile1561Asn; replaces isoleucine 1561 with asparagine.
Molecular consequence: missense variant. On other transcripts: non-coding transcript variant (5).
Genome position (GRCh38, 1-based): chr16:2,086,212, T>A. VCF-style: chr16-2086212-T-A. GRCh37 (hg19) VCF-style: chr16-2136213-T-A.
Other names: c.4481T>A, p.Ile1494Asn (NM_001077183.3); c.4613T>A, p.Ile1538Asn (NM_001114382.3); c.4373T>A, p.Ile1458Asn (NM_001318827.2); c.4337T>A, p.Ile1446Asn (NM_001318829.2); c.3950T>A, p.Ile1317Asn (NM_001318831.2); c.4514T>A, p.Ile1505Asn (NM_001318832.2); c.4484T>A, p.Ile1495Asn (NM_001363528.2); c.4550T>A, p.Ile1517Asn (NM_001370404.1); and 26 more; short protein forms I1046N, I1047N, I1069N, I1070N, I1090N, I1294N, I1295N, I1317N.
Identifiers: ClinVar variation 3052073 (VCV003052073.2), dbSNP rs2151569879, ClinGen allele CA394307038.

ClinVar aggregate classification (germline): Uncertain significance (0 of 4 stars; one submission).

Conditions:
TSC2-related disorder. Also called: TSC2-Related Disorders; TSC2-related condition.

Submission:

PreventionGenetics, part of Exact Sciences
Classification: Uncertain significance for TSC2-related condition. Last evaluated: 2024-01-05. Review status: no assertion criteria provided. Collection method: clinical testing. Allele origin: germline.
Comment: The TSC2 c.4682T>A variant is predicted to result in the amino acid substitution p.Ile1561Asn. To our knowledge, this variant has not been reported in the literature or in a large population database, indicating this variant is rare. At this time, the clinical significance of this variant is uncertain due to the absence of conclusive functional and genetic evidence.